The following is an entry in ClinVar:

NM_000152.5(GAA):c.2281delinsAT (p.Ala761fs)

Gene: GAA (alpha glucosidase; plus strand). Cytogenetic location: 17q25.3.
Variant type: Indel.
Coding change: c.2281delinsAT on transcript NM_000152.5 (MANE Select); coding-DNA position 2281, G replaced by AT.
Protein change: p.Ala761fs; shifts the reading frame from alanine 761.
Molecular consequence: frameshift variant.
Genome position (GRCh38, 1-based): chr17:80,117,059, G replaced by AT. VCF-style: chr17-80117059-G-AT. GRCh37 (hg19) VCF-style: chr17-78090858-G-AT.
Other names: NM_000152.5(GAA):c.2281delinsAT; p.Ala761fs; c.2281delinsAT, p.Ala761fs (NM_001079803.3, NM_001079804.3); c.2281delinsAT (LRG_673t1); short protein forms A761fs.
Identifiers: ClinVar variation 370993 (VCV000370993.17), dbSNP rs1057516924, ClinGen allele CA16041905.

ClinVar aggregate classification (germline): Pathogenic. Review status: reviewed by expert panel (3 of 4 stars). 7 submissions from 7 submitters: Pathogenic (1). 6 of the submissions do not count toward it. Last evaluated 2021-08-27.

Conditions:
GAA-related disorders.
Glycogen storage disease, type II (IOPD). Also called: CARDIOMEGALIA GLYCOGENICA DIFFUSA; GLYCOGENOSIS, GENERALIZED, CARDIAC FORM; GSD II; Glucosidase acid-1,4-alpha deficiency; Glycogen storage disease type 2; Acid maltase deficiency disease. Identifiers: Orphanet 365, MedGen C0017921, MONDO:0009290, OMIM 232300.

Submissions (7):

ClinGen Lysosomal Storage Disorder Variant Curation Expert Panel
Classification: Pathogenic for Glycogen storage disease, type II. Last evaluated: 2021-08-27. Review status: reviewed by expert panel. Criteria: clingen_lsd_acmg_specifications_v2-1. Collection method: curation. Allele origin: germline. Inheritance: Autosomal recessive inheritance.
Comment: The NM_000152.5: c.2281delinsAT (p.Ala761IlefsTer35) variant in GAA is a frameshift variant predicted to cause a premature stop codon in biologically-relevant-exon 17/20, leading to nonsense mediated decay in a gene in which loss-of-function is an established disease mechanism (PVS1). This variant has been reported in 3 patients with Pompe disease including one individual with documentation of laboratory values showing GAA deficiency, meeting the ClinGen LSD VCEP’s specifications for PP4_Moderate (PMID 17056254), and another stated to have deficient GAA activity (laboratory values not available) and on enzyme replacement therapy, meeting PP4 (PMID 29181627)(PP4_Moderate was applied). Both of these patients are compound heterozygous for the variant and a pathogenic variant in GAA, c.-32-13T>G, phase unknown (2 x 0.5 points = 1 point, PM3). Another patient was identified by newborn screening and was compound heterozygous for the variant, c.2238G>C (p.Trp746Cys), and a pseudodeficiency variant, c.2065G>A (PMID 33202836). This data may be used in the assessment of p.Trp746Cys and was not included here to avoid circular logic. The c.2281delinsAT variant is absent in gnomAD v2.1.1 (PM2_Supporting). There is a ClinVar entry for this variant (Variation ID: 370993, 2 star review status) with one submitter classifying the variant as pathogenic and one as likely pathogenic. In summary, this variant meets the criteria to be classified as pathogenic for Pompe disease. GAA-specific ACMG/AMP criteria met, as specified by the ClinGen LSD VCEP (Specifications Version 2.0): PVS1, PM3, PP4_Moderate, PM2_Supporting.

Genomenon, Inc
Classification: Pathogenic for Glycogen storage disease, type II. Last evaluated: 2026-07-01. Review status: criteria provided, single submitter. Criteria: Genomenon Sequence Variant Interpretation Standards - Updated. Collection method: curation. Allele origin: germline. Affected: yes. Not counted in ClinVar's aggregate classification.
Comment: GAA p.Ala761IlefsTer35 (c.2281delinsAT) is a frameshift variant that is predicted to introduce a premature termination codon and result in a truncated or absent protein product. This variant has been observed in at least one proband with a GAA-related disorder (PMID:37087815;29181627;17056254). It is absent or not present at a significant frequency in gnomAD. In conclusion, we classify GAA p.Ala761IlefsTer35 (c.2281delinsAT) as a pathogenic variant.

Labcorp Genetics (formerly Invitae), Labcorp
Classification: Pathogenic for Glycogen storage disease, type II. Last evaluated: 2025-12-28. Review status: criteria provided, single submitter. Criteria: Invitae Variant Classification Sherloc (09022015). Collection method: clinical testing. Allele origin: germline. Not counted in ClinVar's aggregate classification.
Comment: This sequence change creates a premature translational stop signal (p.Ala761Ilefs*35) in the GAA gene. It is expected to result in an absent or disrupted protein product. Loss-of-function variants in GAA are known to be pathogenic (PMID: 18425781, 22252923). Information on the frequency of this variant in the gnomAD database is not available, as this variant may be reported differently in the database. This premature translational stop signal has been observed in individual(s) with late-onset Pompe disease (PMID: 17056254). In at least one individual the data is consistent with being in trans (on the opposite chromosome) from a pathogenic variant. For these reasons, this variant has been classified as Pathogenic.

Baylor Genetics
Classification: Pathogenic for Glycogen storage disease, type II. Last evaluated: 2023-10-20. Review status: criteria provided, single submitter. Criteria: ACMG Guidelines, 2015. Collection method: clinical testing. Allele origin: unknown. Not counted in ClinVar's aggregate classification.

Blueprint Genetics
Classification: Pathogenic for GAA-related disorders. Last evaluated: 2023-05-10. Review status: criteria provided, single submitter. Criteria: ACMG Guidelines, 2015. Collection method: clinical testing. Allele origin: germline. Affected: yes. Observed: 1 variant allele. Not counted in ClinVar's aggregate classification.

GeneDx
Classification: Pathogenic. Last evaluated: 2022-05-18. Review status: criteria provided, single submitter. Criteria: GeneDx Variant Classification Process June 2021. Collection method: clinical testing. Allele origin: germline. Affected: yes. Not counted in ClinVar's aggregate classification.
Comment: Frameshift variant predicted to result in protein truncation or nonsense mediated decay in a gene for which loss of function is a known mechanism of disease; Not observed at significant frequency in large population cohorts (gnomAD); This variant is associated with the following publications: (PMID: 32721234, 29181627, 33202836, 17056254)

Counsyl
Classification: Likely pathogenic for Glycogen storage disease, type II. Last evaluated: 2016-06-01. Review status: no assertion criteria provided. Collection method: clinical testing. Allele origin: unknown. Not counted in ClinVar's aggregate classification.

Literature cited by the submitters: PubMed 37087815 (cited by Genomenon, Inc); PubMed 29181627 (cited by Genomenon, Inc); PubMed 17056254 (cited by 3 submitters); PubMed 18425781 (cited by Labcorp Genetics (formerly Invitae), Labcorp); PubMed 22252923 (cited by Labcorp Genetics (formerly Invitae), Labcorp).